The following is an entry in ClinVar:

ClinVar aggregate classification (germline): Pathogenic (1 of 4 stars; one submission).

Submission:

Labcorp Genetics (formerly Invitae), Labcorp
Classification: Pathogenic. Last evaluated: 2022-12-21. Review status: criteria provided, single submitter. Criteria: Invitae Variant Classification Sherloc (09022015). Collection method: clinical testing. Allele origin: germline.
Comment: This variant is also known as c.907_930del (p.V303_L310del). For these reasons, this variant has been classified as Pathogenic. Algorithms developed to predict the effect of sequence changes on RNA splicing suggest that this variant may disrupt the consensus splice site. This variant has been observed in individual(s) with megalencephalic leukoencephalopathy with subcortical cysts (PMID: 21160490, 27322623). It has also been observed to segregate with disease in related individuals. This variant is not present in population databases (gnomAD no frequency). This variant, c.912_935del, results in the deletion of 8 amino acid(s) of the MLC1 protein (p.Leu307_Leu314del), but otherwise preserves the integrity of the reading frame.

Literature cited by the submitters: PubMed 21160490; PubMed 27322623.

NM_015166.4(MLC1):c.912_935del (p.Leu307_Leu314del)

Gene: MLC1 (modulator of VRAC current 1; minus strand). Cytogenetic location: 22q13.33.
Variant type: Deletion.
Coding change: c.912_935del on transcript NM_015166.4 (MANE Select); coding-DNA positions 912 to 935, 24 bases deleted (GCTGCTGCTGCTGCTGCTAGTGCT).
Protein change: p.Leu307_Leu314del.
Molecular consequence: inframe deletion. On other transcripts: non-coding transcript variant (3).
Genome position (GRCh38, 1-based): chr22:50,064,158-50,064,181, AGCACTAGCAGCAGCAGCAGCAGC deleted on the plus strand (GCTGCTGCTGCTGCTGCTAGTGCT on the coding strand, the reverse complement: MLC1 is on the minus strand); deleting any 24 consecutive bases within chr22:50,064,158-50,064,186 gives the same sequence; the c. name uses the placement nearest the transcript's 3' end. VCF-style (leftmost placement, unchanged base first): chr22-50064157-GAGCACTAGCAGCAGCAGCAGCAGC-G. GRCh37 (hg19) VCF-style: chr22-50502586-GAGCACTAGCAGCAGCAGCAGCAGC-G.
Other names: c.912_935del, p.Leu307_Leu314del (NM_001376472.1, NM_001376473.1, NM_001376474.1 and 5 more transcripts); c.855_878del, p.Leu288_Leu295del (NM_001376479.1); c.822_845del, p.Leu277_Leu284del (NM_001376480.1); c.810_833del, p.Leu273_Leu280del (NM_001376481.1); c.756_779del, p.Leu255_Leu262del (NM_001376482.1, NM_001376483.1); c.675_698del, p.Leu228_Leu235del (NM_001376484.1).
Identifiers: ClinVar variation 2907563 (VCV002907563.3), dbSNP rs2518461134, ClinGen allele CA2591918625.